The following is an entry in ClinVar:

ClinVar aggregate classification (germline): Likely benign (0 of 4 stars; one submission).

Conditions:
PGM1-related disorder. Also called: PGM1-related disorders; PGM1-related condition.

Allele frequency attached by ClinVar (database versions not stated): gnomAD exomes 0.00001; ExAC 0.00002; TOPMed 0.00002.
gnomAD v4.1: 14 of 1,613,670 alleles (0.00087%); highest among the groups gnomAD compares: Middle Eastern, 0.049%; no homozygotes.

Submission:

PreventionGenetics, part of Exact Sciences
Classification: Likely benign for PGM1-related condition. Last evaluated: 2020-01-13. Review status: no assertion criteria provided. Collection method: clinical testing. Allele origin: germline.
Comment: This variant is classified as likely benign based on ACMG/AMP sequence variant interpretation guidelines (Richards et al. 2015 PMID: 25741868, with internal and published modifications).

NM_002633.3(PGM1):c.682+5A>G

Gene: PGM1 (phosphoglucomutase 1; plus strand). Cytogenetic location: 1p31.3.
Variant type: single nucleotide variant.
Coding change: c.682+5A>G on transcript NM_002633.3 (MANE Select); 5 bases into the intron after coding-DNA position 682, A replaced by G.
Molecular consequence: intron variant.
Genome position (GRCh38, 1-based): chr1:63,631,787, A>G. VCF-style: chr1-63631787-A-G. GRCh37 (hg19) VCF-style: chr1-64097458-A-G.
Other names: c.91+5A>G (NM_001172819.2); c.736+5A>G (NM_001172818.1).
Identifiers: ClinVar variation 3048705 (VCV003048705.2), dbSNP rs759045962, ClinGen allele CA889598.